The following is an entry in ClinVar:

NM_004204.5(PIGQ):c.1160T>G (p.Leu387Arg)

Gene: PIGQ (phosphatidylinositol glycan anchor biosynthesis class Q; plus strand). Cytogenetic location: 16p13.3.
Variant type: single nucleotide variant.
Coding change: c.1160T>G on transcript NM_004204.5 (MANE Select); coding-DNA position 1160, T replaced by G.
Protein change: p.Leu387Arg; replaces leucine 387 with arginine.
Molecular consequence: missense variant.
Genome position (GRCh38, 1-based): chr16:578,875, T>G. VCF-style: chr16-578875-T-G. GRCh37 (hg19) VCF-style: chr16-628875-T-G.
Other names: c.1160T>G, p.Leu387Arg (NM_148920.4); short protein forms L387R.
Identifiers: ClinVar variation 1445964 (VCV001445964.9), dbSNP rs778851261, ClinGen allele CA7780135.
Genomic context (GRCh38, chr16:578,875, plus strand): 5'-AGCACATCCTTTGGCACGTGGGCCTCTCGGCCTGCCTGGGCCTGACGGTGGCCCTGTCCC[T>G]CCTCTCGGACATTATCGCCCTCCTCACCTTCCACATCTACTGCTTTTACGTCTATGGAGC-3'
Protein context (NP_004195.2, residues 377-397): ACLGLTVALS[Leu387Arg]LSDIIALLTF

ClinVar aggregate classification (germline): Uncertain significance (1 of 4 stars; one submission).

Conditions:
Epilepsy. Also called: Seizure disorder. Identifiers: MedGen C0014544, MeSH D004827, MONDO:0005027.

Allele frequency attached by ClinVar (database versions not stated): gnomAD exomes below 0.00001; ExAC 0.00001.
gnomAD v4.1: 1 of 1,613,792 alleles (0.000062%); highest among the groups gnomAD compares: South Asian, 0.0011%; no homozygotes.

Submission:

Labcorp Genetics (formerly Invitae), Labcorp
Classification: Uncertain significance for Epilepsy. Last evaluated: 2022-02-05. Review status: criteria provided, single submitter. Criteria: Invitae Variant Classification Sherloc (09022015). Collection method: clinical testing. Allele origin: germline.
Comment: In summary, the available evidence is currently insufficient to determine the role of this variant in disease. Therefore, it has been classified as a Variant of Uncertain Significance. Algorithms developed to predict the effect of missense changes on protein structure and function (SIFT, PolyPhen-2, Align-GVGD) all suggest that this variant is likely to be disruptive. This variant has not been reported in the literature in individuals affected with PIGQ-related conditions. This variant is not present in population databases (gnomAD no frequency). This sequence change replaces leucine, which is neutral and non-polar, with arginine, which is basic and polar, at codon 387 of the PIGQ protein (p.Leu387Arg).